The following is an entry in ClinVar:

ClinVar aggregate classification (germline): Uncertain significance (1 of 4 stars; one submission).

Conditions:
Hypertrophic cardiomyopathy 19. Also called: Familial hypertrophic cardiomyopathy 19. Identifiers: MedGen CN077603, MONDO:0013476.

Allele frequency attached by ClinVar (database versions not stated): ExAC 0.00006.

Submission:

Labcorp Genetics (formerly Invitae), Labcorp
Classification: Uncertain significance for Hypertrophic cardiomyopathy 19. Last evaluated: 2023-12-13. Review status: criteria provided, single submitter. Criteria: Invitae Variant Classification Sherloc (09022015). Collection method: clinical testing. Allele origin: germline.
Comment: This sequence change affects the initiator methionine of the CALR3 mRNA. The next in-frame methionine is located at codon 13. This variant is present in population databases (rs776813962, gnomAD 0.01%). This variant has not been reported in the literature in individuals affected with CALR3-related conditions. Experimental studies and prediction algorithms are not available or were not evaluated, and the functional significance of this variant is currently unknown. In summary, the available evidence is currently insufficient to determine the role of this variant in disease. Therefore, it has been classified as a Variant of Uncertain Significance.

NM_145046.5(CALR3):c.1A>G (p.Met1Val)

Gene: CALR3 (calreticulin 3; minus strand). Cytogenetic location: 19p13.11.
Variant type: single nucleotide variant.
Coding change: c.1A>G on transcript NM_145046.5 (MANE Select); coding-DNA position 1, A replaced by G.
Protein change: p.Met1Val; changes the start codon (methionine 1).
Molecular consequence: missense variant, initiator codon variant.
Genome position (GRCh38, 1-based): chr19:16,496,129, T>C on the plus strand (A>G on the coding strand, the complement: CALR3 is on the minus strand). VCF-style: chr19-16496129-T-C. GRCh37 (hg19) VCF-style: chr19-16606940-T-C.
Other names: short protein forms M1V.
Identifiers: ClinVar variation 2912904 (VCV002912904.3), dbSNP rs776813962, ClinGen allele CA9278551.